The following is an entry in ClinVar:

NM_015021.3(ZNF292):c.233A>G (p.Tyr78Cys)

Gene: ZNF292 (zinc finger protein 292; plus strand). Cytogenetic location: 6q14.3.
Variant type: single nucleotide variant.
Coding change: c.233A>G on transcript NM_015021.3 (MANE Select); coding-DNA position 233, A replaced by G.
Protein change: p.Tyr78Cys; replaces tyrosine 78 with cysteine.
Molecular consequence: missense variant. On other transcripts: 5 prime UTR variant (1).
Genome position (GRCh38, 1-based): chr6:87,215,967, A>G. VCF-style: chr6-87215967-A-G. GRCh37 (hg19) VCF-style: chr6-87925685-A-G.
Other names: c.-188A>G (NM_001351444.2); short protein forms Y78C.
Identifiers: ClinVar variation 4071794 (VCV004071794.1).

ClinVar aggregate classification (germline): Uncertain significance (1 of 4 stars; one submission).

Submission:

GeneDx
Classification: Uncertain significance. Last evaluated: 2025-01-24. Review status: criteria provided, single submitter. Criteria: GeneDx Variant Classification Process June 2021. Collection method: clinical testing. Allele origin: germline. Affected: yes.
Comment: Not observed at significant frequency in large population cohorts (gnomAD); In silico analysis supports that this missense variant has a deleterious effect on protein structure/function; In silico analysis supports a deleterious effect on splicing; Has not been previously published as pathogenic or benign to our knowledge